The following is an entry in ClinVar:

ClinVar aggregate classification (germline): Likely benign (1 of 4 stars; one submission).

Allele frequency attached by ClinVar (database versions not stated): gnomAD 0.00002; gnomAD exomes 0.00002.
gnomAD v4.1: 34 of 1,604,328 alleles (0.0021%); highest among the groups gnomAD compares: Non-Finnish European, 0.0026%; no homozygotes.

Submission:

CeGaT Center for Human Genetics Tuebingen
Classification: Likely benign. Last evaluated: 2026-05-01. Review status: criteria provided, single submitter. Criteria: CeGaT Center For Human Genetics Tuebingen Variant Classification Criteria Version 2. Collection method: clinical testing. Allele origin: germline. Affected: yes. Observed: 2 variant alleles.
Comment: KCNC3: BP4, BP7

NM_004977.3(KCNC3):c.390G>C (p.Pro130=)

Gene: KCNC3 (potassium voltage-gated channel subfamily C member 3; minus strand). Cytogenetic location: 19q13.33.
Variant type: single nucleotide variant.
Coding change: c.390G>C on transcript NM_004977.3 (MANE Select); coding-DNA position 390, G replaced by C.
Protein change: p.Pro130=; no amino-acid change (proline 130 retained).
Molecular consequence: synonymous variant.
Genome position (GRCh38, 1-based): chr19:50,328,693, C>G on the plus strand (G>C on the coding strand, the complement: KCNC3 is on the minus strand). VCF-style: chr19-50328693-C-G. GRCh37 (hg19) VCF-style: chr19-50831950-C-G.
Other names: c.162G>C, p.Pro54= (NM_001372305.1).
Identifiers: ClinVar variation 2498795 (VCV002498795.28), dbSNP rs1264293551, ClinGen allele CA508303474.
Genomic context (GRCh38, chr19:50,328,693, plus strand): 5'-GTAGTTGAGCACGTACGCGAAGACTCCCGGGTGCCGGTCAAAGAAGAACTCGTCGGCGCC[C>G]GGGTCGTAGTCGAAGCGTGCCGCCGCCTCGGGCTCCGTCAGGCCGGCCAGCCGCGTCCCC-3'
Protein context (NP_004968.2, residues 120-140): PEAAARFDYD[Pro130=]GADEFFFDRH